The following is an entry in ClinVar:

ClinVar aggregate classification (germline): Uncertain significance (1 of 4 stars; one submission).

Allele frequency attached by ClinVar (database versions not stated): TOPMed below 0.00001; gnomAD exomes 0.00001; ExAC 0.00003.
gnomAD v4.1: 11 of 1,573,272 alleles (0.0007%); highest among the groups gnomAD compares: South Asian, 0.01%; no homozygotes.

Submission:

Ambry Genetics
Classification: Uncertain significance. Last evaluated: 2022-06-09. Review status: criteria provided, single submitter. Criteria: Ambry Variant Classification Scheme 2023. Collection method: clinical testing. Allele origin: germline.
Comment: The p.N355D variant (also known as c.1063A>G), located in coding exon 12 of the NPAT gene, results from an A to G substitution at nucleotide position 1063. The asparagine at codon 355 is replaced by aspartic acid, an amino acid with highly similar properties. This amino acid position is conserved. In addition, this alteration is predicted to be tolerated by in silico analysis. Since supporting evidence is limited at this time, the clinical significance of this alteration remains unclear.

NM_002519.3(NPAT):c.1063A>G (p.Asn355Asp)

Gene: NPAT (nuclear protein, coactivator of histone transcription; minus strand). Cytogenetic location: 11q22.3.
Variant type: single nucleotide variant.
Coding change: c.1063A>G on transcript NM_002519.3 (MANE Select); coding-DNA position 1063, A replaced by G.
Protein change: p.Asn355Asp; replaces asparagine 355 with aspartic acid.
Molecular consequence: missense variant.
Genome position (GRCh38, 1-based): chr11:108,176,315, T>C on the plus strand (A>G on the coding strand, the complement: NPAT is on the minus strand). VCF-style: chr11-108176315-T-C. GRCh37 (hg19) VCF-style: chr11-108047042-T-C.
Other names: c.1063A>G, p.Asn355Asp (NM_001321307.1); short protein forms N355D.
Identifiers: ClinVar variation 1780945 (VCV001780945.2), dbSNP rs756851919, ClinGen allele CA6264080.